The following is an entry in ClinVar:

NM_000057.4(BLM):c.2561G>T (p.Ser854Ile)

Gene: BLM (BLM RecQ like helicase; plus strand). Cytogenetic location: 15q26.1.
Variant type: single nucleotide variant.
Coding change: c.2561G>T on transcript NM_000057.4 (MANE Select); coding-DNA position 2561, G replaced by T.
Protein change: p.Ser854Ile; replaces serine 854 with isoleucine.
Molecular consequence: missense variant.
Genome position (GRCh38, 1-based): chr15:90,782,827, G>T. VCF-style: chr15-90782827-G-T. GRCh37 (hg19) VCF-style: chr15-91326057-G-T.
Other names: c.2561G>T, p.Ser854Ile (NM_001287246.2, NM_001287247.2); c.1436G>T, p.Ser479Ile (NM_001287248.2); short protein forms S854I, S479I.
Identifiers: ClinVar variation 2021243 (VCV002021243.4), dbSNP rs758692622, ClinGen allele CA393845591.

ClinVar aggregate classification (germline): Uncertain significance (1 of 4 stars; one submission).

Conditions:
Bloom syndrome (BLM). Also called: Bloom-Torre-Machacek syndrome. Identifiers: Orphanet 125, MedGen C0005859, MONDO:0008876, OMIM 210900.

Submission:

Labcorp Genetics (formerly Invitae), Labcorp
Classification: Uncertain significance for Bloom syndrome. Last evaluated: 2021-11-30. Review status: criteria provided, single submitter. Criteria: Invitae Variant Classification Sherloc (09022015). Collection method: clinical testing. Allele origin: germline.
Comment: In summary, the available evidence is currently insufficient to determine the role of this variant in disease. Therefore, it has been classified as a Variant of Uncertain Significance. Algorithms developed to predict the effect of missense changes on protein structure and function (SIFT, PolyPhen-2, Align-GVGD) all suggest that this variant is likely to be tolerated. This variant has not been reported in the literature in individuals affected with BLM-related conditions. This variant is not present in population databases (gnomAD no frequency). This sequence change replaces serine, which is neutral and polar, with isoleucine, which is neutral and non-polar, at codon 854 of the BLM protein (p.Ser854Ile).